The following is an entry in ClinVar:

NM_002941.4(ROBO1):c.428G>A (p.Gly143Glu)

Gene: ROBO1 (roundabout guidance receptor 1; minus strand). Cytogenetic location: 3p12.3.
Variant type: single nucleotide variant.
Coding change: c.428G>A on transcript NM_002941.4 (MANE Select); coding-DNA position 428, G replaced by A.
Protein change: p.Gly143Glu; replaces glycine 143 with glutamic acid.
Molecular consequence: missense variant.
Genome position (GRCh38, 1-based): chr3:78,938,672, C>T on the plus strand (G>A on the coding strand, the complement: ROBO1 is on the minus strand). VCF-style: chr3-78938672-C-T. GRCh37 (hg19) VCF-style: chr3-78987822-C-T.
Other names: c.311G>A, p.Gly104Glu (NM_001145844.1, NM_001145845.2, NM_133631.4); short protein forms G104E, G143E.
Identifiers: ClinVar variation 2579860 (VCV002579860.1), dbSNP rs1203007078, ClinGen allele CA353681418.

ClinVar aggregate classification (germline): Uncertain significance (1 of 4 stars; one submission).

Submission:

GeneDx
Classification: Uncertain significance. Last evaluated: 2023-03-14. Review status: criteria provided, single submitter. Criteria: GeneDx Variant Classification Process June 2021. Collection method: clinical testing. Allele origin: germline. Affected: yes.
Comment: Not observed at significant frequency in large population cohorts (gnomAD); In silico analysis supports that this missense variant has a deleterious effect on protein structure/function; Has not been previously published as pathogenic or benign to our knowledge